The following is an entry in ClinVar:

NM_001430.5(EPAS1):c.2405A>C (p.Gln802Pro)

Gene: EPAS1 (endothelial PAS domain protein 1; plus strand). Cytogenetic location: 2p21.
Variant type: single nucleotide variant.
Coding change: c.2405A>C on transcript NM_001430.5 (MANE Select); coding-DNA position 2405, A replaced by C.
Protein change: p.Gln802Pro; replaces glutamine 802 with proline.
Molecular consequence: missense variant.
Genome position (GRCh38, 1-based): chr2:46,382,542, A>C. VCF-style: chr2-46382542-A-C. GRCh37 (hg19) VCF-style: chr2-46609681-A-C.
Other names: short protein forms Q802P.
Identifiers: ClinVar variation 1790781 (VCV001790781.2), dbSNP rs1240574043, ClinGen allele CA346706272.

ClinVar aggregate classification (germline): Uncertain significance (1 of 4 stars; one submission).

Conditions:
Inborn genetic diseases. Identifiers: MedGen C0950123, MeSH D030342.

Allele frequency attached by ClinVar (database versions not stated): gnomAD 0.00001; gnomAD exomes 0.00001.
gnomAD v4.1: 15 of 1,614,048 alleles (0.00093%); highest among the groups gnomAD compares: Middle Eastern, 0.016%; 1 homozygote.

Submission:

Ambry Genetics
Classification: Uncertain significance for Inborn genetic diseases. Last evaluated: 2022-10-30. Review status: criteria provided, single submitter. Criteria: Ambry Variant Classification Scheme 2023. Collection method: clinical testing. Allele origin: germline.
Comment: The p.Q802P variant (also known as c.2405A>C), located in coding exon 15 of the EPAS1 gene, results from an A to C substitution at nucleotide position 2405. The glutamine at codon 802 is replaced by proline, an amino acid with similar properties. This amino acid position is conserved. In addition, this alteration is predicted to be tolerated by in silico analysis. Since supporting evidence is limited at this time, the clinical significance of this alteration remains unclear.